The following is an entry in ClinVar:

ClinVar aggregate classification (germline): Uncertain significance. Review status: criteria provided, multiple submitters, no conflicts (2 of 4 stars). 2 submissions from 2 submitters: Uncertain significance (2). Last evaluated 2023-11-09.

Conditions:
Hereditary cancer-predisposing syndrome. Also called: Hereditary neoplastic syndrome; Neoplastic Syndromes, Hereditary; Tumor predisposition; Hereditary Cancer Syndrome. Identifiers: Orphanet 140162, MedGen C0027672, MeSH D009386, MONDO:0015356.
DICER1-related tumor predisposition. Also called: DICER1-related pleuropulmonary blastoma cancer predisposition syndrome; DICER1 syndrome. Identifiers: Orphanet 284343, MedGen C3839822, MONDO:0100216.

Submissions (2):

Ambry Genetics
Classification: Uncertain significance for Hereditary cancer-predisposing syndrome. Last evaluated: 2023-11-09. Review status: criteria provided, single submitter. Criteria: Ambry Variant Classification Scheme 2023. Collection method: clinical testing. Allele origin: germline.
Comment: The p.N487Y variant (also known as c.1459A>T), located in coding exon 8 of the DICER1 gene, results from an A to T substitution at nucleotide position 1459. The asparagine at codon 487 is replaced by tyrosine, an amino acid with dissimilar properties. This amino acid position is conserved. In addition, the in silico prediction for this alteration is inconclusive. Since supporting evidence is limited at this time, the clinical significance of this alteration remains unclear.

Labcorp Genetics (formerly Invitae), Labcorp
Classification: Uncertain significance for DICER1-related tumor predisposition. Last evaluated: 2021-01-18. Review status: criteria provided, single submitter. Criteria: Invitae Variant Classification Sherloc (09022015). Collection method: clinical testing. Allele origin: germline.
Comment: This sequence change replaces asparagine with tyrosine at codon 487 of the DICER1 protein (p.Asn487Tyr). The asparagine residue is highly conserved and there is a large physicochemical difference between asparagine and tyrosine. This variant is not present in population databases (ExAC no frequency) and has not been reported in the literature in individuals with a DICER1-related disease. Algorithms developed to predict the effect of missense changes on protein structure and function (SIFT, PolyPhen-2, Align-GVGD) all suggest that this variant is likely to be tolerated, but these predictions have not been confirmed by published functional studies. In summary, this variant is a novel missense change that is not predicted to affect protein function. There is no indication that it causes disease, but the available evidence is currently insufficient to prove that conclusively. Therefore, it has been classified as a Variant of Uncertain Significance.

NM_177438.3(DICER1):c.1459A>T (p.Asn487Tyr)

Gene: DICER1 (dicer 1, ribonuclease III; minus strand). Cytogenetic location: 14q32.13.
Variant type: single nucleotide variant.
Coding change: c.1459A>T on transcript NM_177438.3 (MANE Select); coding-DNA position 1459, A replaced by T.
Protein change: p.Asn487Tyr; replaces asparagine 487 with tyrosine.
Molecular consequence: missense variant.
Genome position (GRCh38, 1-based): chr14:95,117,672, T>A on the plus strand (A>T on the coding strand, the complement: DICER1 is on the minus strand). VCF-style: chr14-95117672-T-A. GRCh37 (hg19) VCF-style: chr14-95584009-T-A.
Other names: c.1459A>T, p.Asn487Tyr (NM_001195573.1, NM_001271282.3, NM_001291628.2 and 1 more transcripts); short protein forms N487Y.
Identifiers: ClinVar variation 412049 (VCV000412049.11), dbSNP rs1060503590, ClinGen allele CA16614555.
Genomic context (GRCh38, chr14:95,117,672, plus strand): 5'-TTTAAGTTACCTCTTCCTGTTTTCTGAATTCTGCTTCCATCTGTTTGTTGCGAGGCTGAT[T>A]CTTCCCAATGCCATGTCCAGTTATGAAATTGCTACTGATATAAGCCAGCTCTGGATCTTG-3'
Protein context (NP_803187.1, residues 477-497): NFITGHGIGK[Asn487Tyr]QPRNKQMEAE